The following is an entry in ClinVar:

NM_004369.4(COL6A3):c.9250C>T (p.Pro3084Ser)

Gene: COL6A3 (collagen type VI alpha 3 chain; minus strand). Cytogenetic location: 2q37.3.
Variant type: single nucleotide variant.
Coding change: c.9250C>T on transcript NM_004369.4 (MANE Select); coding-DNA position 9250, C replaced by T.
Protein change: p.Pro3084Ser; replaces proline 3084 with serine.
Molecular consequence: missense variant.
Genome position (GRCh38, 1-based): chr2:237,333,528, G>A on the plus strand (C>T on the coding strand, the complement: COL6A3 is on the minus strand). VCF-style: chr2-237333528-G-A. GRCh37 (hg19) VCF-style: chr2-238242171-G-A.
Other names: c.7429C>T, p.Pro2477Ser (NM_057166.5); c.8632C>T, p.Pro2878Ser (NM_057167.4); short protein forms P3084S, P2878S, P2477S.
Identifiers: ClinVar variation 577698 (VCV000577698.12), dbSNP rs1468004640, ClinGen allele CA351187459.

ClinVar aggregate classification (germline): Uncertain significance. Review status: criteria provided, multiple submitters, no conflicts (2 of 4 stars). 2 submissions from 2 submitters: Uncertain significance (2). Last evaluated 2022-08-15.

Conditions:
Bethlem myopathy 1A. Also called: Bethlem myopathy 1; MYOPATHY, BENIGN CONGENITAL, WITH CONTRACTURES; Bethlem Muscular Dystrophy. Identifiers: Orphanet 610, MedGen CN029274, MONDO:0024530, OMIM 158810.

Allele frequency attached by ClinVar (database versions not stated): gnomAD 0.00001; gnomAD exomes below 0.00001; TOPMed below 0.00001.
gnomAD v4.1: 5 of 1,614,072 alleles (0.00031%); highest among the groups gnomAD compares: Non-Finnish European, 0.00042%; no homozygotes.

Submissions (2):

Labcorp Genetics (formerly Invitae), Labcorp
Classification: Uncertain significance for Bethlem myopathy 1A. Last evaluated: 2022-08-15. Review status: criteria provided, single submitter. Criteria: Invitae Variant Classification Sherloc (09022015). Collection method: clinical testing. Allele origin: germline.
Comment: In summary, the available evidence is currently insufficient to determine the role of this variant in disease. Therefore, it has been classified as a Variant of Uncertain Significance. Advanced modeling of protein sequence and biophysical properties (such as structural, functional, and spatial information, amino acid conservation, physicochemical variation, residue mobility, and thermodynamic stability) performed at Invitae indicates that this missense variant is not expected to disrupt COL6A3 protein function. ClinVar contains an entry for this variant (Variation ID: 577698). This variant has not been reported in the literature in individuals affected with COL6A3-related conditions. This variant is not present in population databases (gnomAD no frequency). This sequence change replaces proline, which is neutral and non-polar, with serine, which is neutral and polar, at codon 3084 of the COL6A3 protein (p.Pro3084Ser).

Eurofins Ntd Llc (ga)
Classification: Uncertain significance. Last evaluated: 2017-12-07. Review status: criteria provided, single submitter. Criteria: EGL Classification Definitions 2015. Collection method: clinical testing. Allele origin: germline. Observed: 1 variant allele, 1 heterozygote.